The following is an entry in ClinVar:

NM_201384.3(PLEC):c.1108T>C (p.Trp370Arg)

Gene: PLEC (plectin; minus strand). Cytogenetic location: 8q24.3.
Variant type: single nucleotide variant.
Coding change: c.1108T>C on transcript NM_201384.3 (MANE Select); coding-DNA position 1108, T replaced by C.
Protein change: p.Trp370Arg; replaces tryptophan 370 with arginine.
Molecular consequence: missense variant.
Genome position (GRCh38, 1-based): chr8:143,934,379, A>G on the plus strand (T>C on the coding strand, the complement: PLEC is on the minus strand). VCF-style: chr8-143934379-A-G. GRCh37 (hg19) VCF-style: chr8-145008547-A-G.
Other names: c.1189T>C, p.Trp397Arg (NM_000445.5, NM_001410941.1); c.1066T>C, p.Trp356Arg (NM_201378.4); c.1042T>C, p.Trp348Arg (NM_201379.3); c.1519T>C, p.Trp507Arg (NM_201380.4); c.1012T>C, p.Trp338Arg (NM_201381.3); c.1108T>C, p.Trp370Arg (NM_201382.4); c.1120T>C, p.Trp374Arg (NM_201383.3); short protein forms W356R, W374R, W397R, W338R, W348R, W507R, W370R.
Identifiers: ClinVar variation 2949316 (VCV002949316.3), dbSNP rs2538976121, ClinGen allele CA372584778.
Genomic context (GRCh38, chr8:143,934,379, plus strand): 5'-TCTCAAACTCGCTGCGGAGCTGCTTCTCCCGCTCCAGGATGGCCACGTGCAGCTTGCCCC[A>G]CTCCTTCTCCACATCCAGCGGGTGGTAGCCAGGGGGCACCTTGAGCTGGCCTGCTTGCAC-3'
Protein context (NP_958786.1, residues 360-380): GYHPLDVEKE[Trp370Arg]GKLHVAILER

ClinVar aggregate classification (germline): Uncertain significance (1 of 4 stars; one submission).

Conditions:
Epidermolysis bullosa simplex with nail dystrophy (EBS5D). Identifiers: MedGen C4225309, MONDO:0014661, OMIM 616487.
Epidermolysis bullosa simplex, Ogna type (EBS5A). Also called: Pidermolysis bullosa simplex 5A, Ogna type; EPIDERMOLYSIS BULLOSA SIMPLEX 5A, OGNA TYPE. Identifiers: Orphanet 79401, MedGen C0432317, MONDO:0007555, OMIM 131950.
Autosomal recessive limb-girdle muscular dystrophy type 2Q (LGMDR17). Also called: MUSCULAR DYSTROPHY, LIMB-GIRDLE, AUTOSOMAL RECESSIVE 17. Identifiers: Orphanet 254361, MedGen C3150989, MONDO:0013390, OMIM 613723.
Epidermolysis bullosa simplex 5B, with muscular dystrophy (EBS5B). Also called: EPIDERMOLYSIS BULLOSA SIMPLEX AND LIMB-GIRDLE MUSCULAR DYSTROPHY; Epidermolysis bullosa simplex with muscular dystrophy. Identifiers: Orphanet 257, MedGen C2931072, MONDO:0009181, OMIM 226670.
Epidermolysis bullosa simplex 5C, with pyloric atresia (EBS5C). Also called: PLEC-Related Epidermolysis Bullosa with Pyloric Atresia; Epidermolysis bullosa simplex with pyloric atresia; PLEC1-Related Epidermolysis Bullosa with Pyloric Atresia. Identifiers: Orphanet 158684, MedGen C2677349, MONDO:0012807, OMIM 612138.

Submission:

Labcorp Genetics (formerly Invitae), Labcorp
Classification: Uncertain significance for Autosomal recessive limb-girdle muscular dystrophy type 2Q; Epidermolysis bullosa simplex, Ogna type; Epidermolysis bullosa simplex with nail dystrophy; Epidermolysis bullosa simplex 5C, with pyloric atresia; Epidermolysis bullosa simplex 5B, with muscular dystrophy. Last evaluated: 2023-09-25. Review status: criteria provided, single submitter. Criteria: Invitae Variant Classification Sherloc (09022015). Collection method: clinical testing. Allele origin: germline.
Comment: This variant has not been reported in the literature in individuals affected with PLEC-related conditions. In summary, the available evidence is currently insufficient to determine the role of this variant in disease. Therefore, it has been classified as a Variant of Uncertain Significance. Experimental studies and prediction algorithms are not available or were not evaluated, and the functional significance of this variant is currently unknown. This variant is not present in population databases (gnomAD no frequency). This sequence change replaces tryptophan, which is neutral and slightly polar, with arginine, which is basic and polar, at codon 397 of the PLEC protein (p.Trp397Arg).